The following is an entry in ClinVar:

ClinVar aggregate classification (germline): Uncertain significance. Review status: criteria provided, multiple submitters, no conflicts (2 of 4 stars). 2 submissions from 2 submitters: Uncertain significance (2). Last evaluated 2023-05-04.

Conditions:
Primary ciliary dyskinesia. Also called: Ciliary dyskinesia. Identifiers: Orphanet 244, MedGen C0008780, MONDO:0016575, HP:0012265.

Allele frequency attached by ClinVar (database versions not stated): gnomAD exomes 0.00001; gnomAD 0.00007 and 0.00008; TOPMed 0.00008.
gnomAD v4.1: 27 of 1,614,042 alleles (0.0017%); highest among the groups gnomAD compares: Middle Eastern, 0.016%; no homozygotes.

Submissions (2):

Mayo Clinic Laboratories, Mayo Clinic
Classification: Uncertain significance. Last evaluated: 2023-05-04. Review status: criteria provided, single submitter. Criteria: ACMG Guidelines, 2015. Collection method: clinical testing. Allele origin: germline. Observed: 1 variant allele.
Comment: BP4

Labcorp Genetics (formerly Invitae), Labcorp
Classification: Uncertain significance for Primary ciliary dyskinesia. Last evaluated: 2021-09-04. Review status: criteria provided, single submitter. Criteria: Invitae Variant Classification Sherloc (09022015). Collection method: clinical testing. Allele origin: germline.
Comment: This sequence change replaces threonine with alanine at codon 101 of the CCDC103 protein (p.Thr101Ala). The threonine residue is highly conserved and there is a small physicochemical difference between threonine and alanine. This variant is not present in population databases (ExAC no frequency). This variant has not been reported in the literature in individuals affected with CCDC103-related conditions. Algorithms developed to predict the effect of missense changes on protein structure and function are either unavailable or do not agree on the potential impact of this missense change (SIFT: "Deleterious"; PolyPhen-2: "Benign"; Align-GVGD: "Class C0"). In summary, the available evidence is currently insufficient to determine the role of this variant in disease. Therefore, it has been classified as a Variant of Uncertain Significance.

Literature cited by the submitters: PubMed 35626283 (cited by Mayo Clinic Laboratories, Mayo Clinic).

NM_213607.3(DNAAF19):c.301A>G (p.Thr101Ala)

Gene: DNAAF19 (dynein axonemal assembly factor 19; plus strand). Cytogenetic location: 17q21.31.
Variant type: single nucleotide variant.
Coding change: c.301A>G on transcript NM_213607.3 (MANE Select); coding-DNA position 301, A replaced by G.
Protein change: p.Thr101Ala; replaces threonine 101 with alanine.
Molecular consequence: missense variant. On other transcripts: 3 prime UTR variant (1).
Genome position (GRCh38, 1-based): chr17:44,902,389, A>G. VCF-style: chr17-44902389-A-G. GRCh37 (hg19) VCF-style: chr17-42979757-A-G.
Other names: p.Thr101Ala; c.301A>G, p.Thr101Ala (NM_001258395.2, NM_001258396.2); c.*51A>G (NM_001258397.3); c.302A>G, p.Asp101Gly (NM_001258398.3); c.305A>G, p.Asp102Gly (NM_001258399.2); short protein forms D101G, T101A, D102G.
Identifiers: ClinVar variation 958363 (VCV000958363.6), dbSNP rs924433215, ClinGen allele CA291016584.